The following is an entry in ClinVar:

NM_001129.5(AEBP1):c.1369G>C (p.Val457Leu)

Gene: AEBP1 (AE binding protein 1; plus strand). Cytogenetic location: 7p13.
Variant type: single nucleotide variant.
Coding change: c.1369G>C on transcript NM_001129.5 (MANE Select); coding-DNA position 1369, G replaced by C.
Protein change: p.Val457Leu; replaces valine 457 with leucine.
Molecular consequence: missense variant.
Genome position (GRCh38, 1-based): chr7:44,110,315, G>C. VCF-style: chr7-44110315-G-C. GRCh37 (hg19) VCF-style: chr7-44149914-G-C.
Other names: short protein forms V457L.
Identifiers: ClinVar variation 1915627 (VCV001915627.4), dbSNP rs758274269, ClinGen allele CA367362679.

ClinVar aggregate classification (germline): Uncertain significance (1 of 4 stars; one submission).

gnomAD v4.1: 8 of 1,613,584 alleles (0.0005%); highest among the groups gnomAD compares: Non-Finnish European, 0.00068%; no homozygotes.

Submission:

Labcorp Genetics (formerly Invitae), Labcorp
Classification: Uncertain significance. Last evaluated: 2022-03-23. Review status: criteria provided, single submitter. Criteria: Invitae Variant Classification Sherloc (09022015). Collection method: clinical testing. Allele origin: germline.
Comment: In summary, the available evidence is currently insufficient to determine the role of this variant in disease. Therefore, it has been classified as a Variant of Uncertain Significance. Algorithms developed to predict the effect of missense changes on protein structure and function are either unavailable or do not agree on the potential impact of this missense change (SIFT: "Deleterious"; PolyPhen-2: "Possibly Damaging"; Align-GVGD: "Class C0"). This variant has not been reported in the literature in individuals affected with AEBP1-related conditions. This variant is present in population databases (no rsID available, gnomAD 0.0009%). This sequence change replaces valine, which is neutral and non-polar, with leucine, which is neutral and non-polar, at codon 457 of the AEBP1 protein (p.Val457Leu).